The following is an entry in ClinVar:

ClinVar aggregate classification (germline): Conflicting classifications of pathogenicity. Review status: criteria provided, conflicting classifications (1 of 4 stars). 4 submissions from 4 submitters: Likely pathogenic (2); Uncertain significance (2). Last evaluated 2026-06-01.

Conditions:
Spinocerebellar ataxia, autosomal recessive, with axonal neuropathy 2 (SCAN2). Also called: Ataxia-ocular apraxia-2; Ataxia with Oculomotor Apraxia; Ataxia with Oculomotor Apraxia Type 2; ATAXIA-OCULOMOTOR APRAXIA 2. Identifiers: Orphanet 64753, MedGen C1853761, MONDO:0018996, OMIM 606002.
Amyotrophic lateral sclerosis type 4 (ALS4). Also called: AMYOTROPHIC LATERAL SCLEROSIS 4, JUVENILE; NEURONOPATHY, DISTAL HEREDITARY MOTOR, WITH PYRAMIDAL FEATURES. Identifiers: Orphanet 357043, MedGen C1865409, MONDO:0011223, OMIM 602433.
Inborn genetic diseases. Identifiers: MedGen C0950123, MeSH D030342.

Allele frequency attached by ClinVar (database versions not stated): gnomAD exomes 0.00001; TOPMed 0.00001; ExAC 0.00002; gnomAD 0.00002; ESP Exome Variant Server 0.00008.
gnomAD v4.1: 14 of 1,613,948 alleles (0.00087%); highest among the groups gnomAD compares: East Asian, 0.0022%; no homozygotes.

Submissions (4):

CeGaT Center for Human Genetics Tuebingen
Classification: Likely pathogenic. Last evaluated: 2026-06-01. Review status: criteria provided, single submitter. Criteria: CeGaT Center For Human Genetics Tuebingen Variant Classification Criteria Version 2. Collection method: clinical testing. Allele origin: germline. Affected: yes. Observed: 1 variant allele.
Comment: SETX: PM2, PM3, PM5

Ambry Genetics
Classification: Uncertain significance for Inborn genetic diseases. Last evaluated: 2022-03-25. Review status: criteria provided, single submitter. Criteria: Ambry Variant Classification Scheme 2023. Collection method: clinical testing. Allele origin: germline.
Comment: The p.R2444C variant (also known as c.7330C>T), located in coding exon 24 of the SETX gene, results from a C to T substitution at nucleotide position 7330. The arginine at codon 2444 is replaced by cysteine, an amino acid with highly dissimilar properties. This alteration was detected in an individual with cerebellar dysarthria, oculomotor apraxia, neuropathy with muscular atrophy and areflexia, and increased serum AFP, who also two other SETX variants on a different alelle (Bernard V et al. Neuropediatrics, 2008 Dec;39:347-50). This amino acid position is highly conserved in available vertebrate species. In addition, this alteration is predicted to be deleterious by in silico analysis. Since supporting evidence is limited at this time, the clinical significance of this alteration remains unclear.

MGZ Medical Genetics Center
Classification: Likely pathogenic for Spinocerebellar ataxia, autosomal recessive, with axonal neuropathy 2. Last evaluated: 2021-11-12. Review status: criteria provided, single submitter. Criteria: ACMG Guidelines, 2015. Collection method: clinical testing. Allele origin: germline. Affected: yes. Observed: 1 variant allele.
Comment: ACMG criteria applied: PM3, PM5, PS4_SUP, PM2_SUP, PP3

Illumina Laboratory Services, Illumina
Classification: Uncertain significance for Amyotrophic lateral sclerosis type 4. Last evaluated: 2017-10-09. Review status: criteria provided, single submitter. Criteria: ICSL Variant Classification Criteria 13 December 2019. Collection method: clinical testing. Allele origin: germline.
Comment: This variant was observed as part of a predisposition screen in an ostensibly healthy population. A literature search was performed for the gene, cDNA change, and amino acid change (where applicable). Publications were found based on this search. However, the evidence from the literature, in combination with allele frequency data from public databases where available, was not sufficient to rule this variant in or out of causing disease. Therefore, this variant is classified as a variant of unknown significance.

Literature cited by the submitters: PubMed 19569000 (cited by Ambry Genetics and Illumina Laboratory Services, Illumina); PubMed 23129421 (cited by Illumina Laboratory Services, Illumina).

NM_015046.7(SETX):c.7330C>T (p.Arg2444Cys)

Gene: SETX (senataxin; minus strand). Cytogenetic location: 9q34.13.
Variant type: single nucleotide variant.
Coding change: c.7330C>T on transcript NM_015046.7 (MANE Select); coding-DNA position 7330, C replaced by T.
Protein change: p.Arg2444Cys; replaces arginine 2444 with cysteine.
Molecular consequence: missense variant.
Genome position (GRCh38, 1-based): chr9:132,264,943, G>A on the plus strand (C>T on the coding strand, the complement: SETX is on the minus strand). VCF-style: chr9-132264943-G-A. GRCh37 (hg19) VCF-style: chr9-135140330-G-A.
Other names: c.7417C>T, p.Arg2473Cys (NM_001351528.2); c.7330C>T, p.Arg2444Cys (NM_001351527.2); short protein forms R2444C, R2473C.
Identifiers: ClinVar variation 632035 (VCV000632035.11), dbSNP rs372535542, ClinGen allele CA5296407.